The following is an entry in ClinVar:

ClinVar aggregate classification (germline): Benign/Likely benign. Review status: criteria provided, multiple submitters, no conflicts (2 of 4 stars). 3 submissions from 3 submitters: Benign (1); Likely benign (2). Last evaluated 2026-05-20.

Conditions:
Cardiovascular phenotype. Identifiers: MedGen CN230736.
Hereditary cancer-predisposing syndrome. Also called: Tumor predisposition; Hereditary Cancer Syndrome; Hereditary neoplastic syndrome; Neoplastic Syndromes, Hereditary. Identifiers: Orphanet 140162, MedGen C0027672, MeSH D009386, MONDO:0015356.
Neurofibromatosis, type 1 (NF1). Also called: NEUROFIBROMATOSIS, TYPE I, SOMATIC; Peripheral type neurofibromatosis; VON RECKLINGHAUSEN DISEASE; Neurofibromatosis, type I. Identifiers: Orphanet 636, MedGen C0027831, MONDO:0018975, OMIM 162200. Disease mechanism: loss of function.

Submissions (3):

Myriad Genetics, Inc.
Classification: Benign for Neurofibromatosis, type 1. Last evaluated: 2026-05-20. Review status: criteria provided, single submitter. Criteria: Myriad Autosomal Dominant, Autosomal Recessive and X-Linked Classification Criteria (2023). Collection method: clinical testing. Allele origin: unknown.
Comment: This variant is considered benign. This variant is a silent/synonymous amino acid change and it is not expected to impact splicing.

Labcorp Genetics (formerly Invitae), Labcorp
Classification: Likely benign for Neurofibromatosis, type 1. Last evaluated: 2023-11-09. Review status: criteria provided, single submitter. Criteria: Invitae Variant Classification Sherloc (09022015). Collection method: clinical testing. Allele origin: germline.

Ambry Genetics
Classification: Likely benign for Cardiovascular phenotype; Hereditary cancer-predisposing syndrome. Last evaluated: 2018-11-30. Review status: criteria provided, single submitter. Criteria: Ambry Variant Classification Scheme 2023. Collection method: clinical testing. Allele origin: germline.

NM_001042492.3(NF1):c.5700C>A (p.Ile1900=)

Gene: NF1 (neurofibromin 1; plus strand). Cytogenetic location: 17q11.2.
Variant type: single nucleotide variant.
Coding change: c.5700C>A on transcript NM_001042492.3 (MANE Select); coding-DNA position 5700, C replaced by A.
Protein change: p.Ile1900=; no amino-acid change (isoleucine 1900 retained).
Molecular consequence: synonymous variant.
Genome position (GRCh38, 1-based): chr17:31,330,386, C>A. VCF-style: chr17-31330386-C-A. GRCh37 (hg19) VCF-style: chr17-29657404-C-A.
Other names: c.5637C>A, p.Ile1879= (NM_000267.4).
Identifiers: ClinVar variation 825859 (VCV000825859.8), dbSNP rs763851410, ClinGen allele CA499233456.